The following is an entry in ClinVar:

ClinVar aggregate classification (germline): Benign/Likely benign. Review status: criteria provided, multiple submitters, no conflicts (2 of 4 stars). 9 submissions from 9 submitters: Benign (7); Likely benign (1). 1 of the submissions does not count toward it. Last evaluated 2026-02-04.

Conditions:
Amelocerebrohypohidrotic syndrome (KTZS). Also called: Kohlschutter's syndrome; EPILEPSY AND YELLOW TEETH; EPILEPSY, DEMENTIA, AND AMELOGENESIS IMPERFECTA; KOHLSCHUTTER SYNDROME. Identifiers: Orphanet 1946, MedGen C0406740, MONDO:0009185, OMIM 226750.

Allele frequency attached by ClinVar (database versions not stated): TOPMed 0.10351; ESP Exome Variant Server 0.10489; gnomAD 0.10521 and 0.10884; 1000 Genomes Project 30x 0.11462; 1000 Genomes Project 0.11621; gnomAD exomes 0.12958 and 0.13978; ExAC 0.13813.
gnomAD v4.1: 221,170 of 1,612,418 alleles (14%); highest among the groups gnomAD compares: South Asian, 20%; 16,523 homozygotes.

Submissions (9):

Labcorp Genetics (formerly Invitae), Labcorp
Classification: Benign for Amelocerebrohypohidrotic syndrome. Last evaluated: 2026-02-04. Review status: criteria provided, single submitter. Criteria: Invitae Variant Classification Sherloc (09022015). Collection method: clinical testing. Allele origin: germline.

Blueprint Genetics
Classification: Likely benign. Last evaluated: 2024-11-27. Review status: criteria provided, single submitter. Criteria: ACMG Guidelines, 2015. Collection method: clinical testing. Allele origin: germline.

GeneDx
Classification: Benign. Last evaluated: 2021-05-04. Review status: criteria provided, single submitter. Criteria: GeneDx Variant Classification Process June 2021. Collection method: clinical testing. Allele origin: germline. Affected: yes.

Mayo Clinic Laboratories, Mayo Clinic
Classification: Benign. Last evaluated: 2018-04-10. Review status: criteria provided, single submitter. Criteria: ACMG Guidelines, 2015. Collection method: clinical testing. Allele origin: germline. Observed: 135 variant alleles.

Illumina Laboratory Services, Illumina
Classification: Benign for Kohlschutter syndrome. Last evaluated: 2018-01-12. Review status: criteria provided, single submitter. Criteria: ICSL Variant Classification Criteria 13 December 2019. Collection method: clinical testing. Allele origin: germline.
Comment: This variant was observed in the ICSL laboratory as part of a predisposition screen in an ostensibly healthy population. It had not been previously curated by ICSL or reported in the Human Gene Mutation Database (HGMD: prior to June 1st, 2018), and was therefore a candidate for classification through an automated scoring system. Utilizing variant allele frequency, disease prevalence and penetrance estimates, and inheritance mode, an automated score was calculated to assess if this variant is too frequent to cause the disease. Based on the score and internal cut-off values, a variant classified as benign is not then subjected to further curation. The score for this variant resulted in a classification of benign for this disease.

Athena Diagnostics
Classification: Benign. Last evaluated: 2017-04-20. Review status: criteria provided, single submitter. Criteria: Athena Diagnostics Criteria. Collection method: clinical testing. Allele origin: germline.

Breakthrough Genomics
Classification: Benign. Review status: criteria provided, single submitter. Criteria: ACMG Guidelines, 2015. Collection method: not provided. Allele origin: germline. Inheritance: Autosomal recessive inheritance. Affected: yes.

PreventionGenetics, part of Exact Sciences
Classification: Benign. Review status: criteria provided, single submitter. Criteria: ACMG Guidelines, 2015. Collection method: clinical testing. Allele origin: germline.

Genetic Services Laboratory, University of Chicago
Classification: Likely benign for AllHighlyPenetrant. Review status: no assertion criteria provided. Collection method: clinical testing. Allele origin: germline. Inheritance: Autosomal recessive inheritance. Not counted in ClinVar's aggregate classification.
Comment: Likely benign based on allele frequency in 1000 Genomes Project or ESP global frequency and its presence in a patient with a rare or unrelated disease phenotype. NOT Sanger confirmed.

NM_024589.3(ROGDI):c.414G>A (p.Thr138=)

Gene: ROGDI (rogdi atypical leucine zipper; minus strand). Cytogenetic location: 16p13.3.
Variant type: single nucleotide variant.
Coding change: c.414G>A on transcript NM_024589.3 (MANE Select); coding-DNA position 414, G replaced by A.
Protein change: p.Thr138=; no amino-acid change (threonine 138 retained).
Molecular consequence: synonymous variant. On other transcripts: non-coding transcript variant (1).
Genome position (GRCh38, 1-based): chr16:4,799,704, C>T on the plus strand (G>A on the coding strand, the complement: ROGDI is on the minus strand). VCF-style: chr16-4799704-C-T. GRCh37 (hg19) VCF-style: chr16-4849705-C-T.
Other names: p.Thr138=.
Identifiers: ClinVar variation 130160 (VCV000130160.24), dbSNP rs11553876, ClinGen allele CA154976.